The following is an entry in ClinVar:

ClinVar aggregate classification (germline): Conflicting classifications of pathogenicity. Review status: criteria provided, conflicting classifications (1 of 4 stars). 3 submissions from 3 submitters: Uncertain significance (2); Benign (1). Last evaluated 2025-11-16.

Conditions:
Dehydrated hereditary stomatocytosis with or without pseudohyperkalemia and/or perinatal edema (DHS1). Also called: PSEUDOHYPERKALEMIA EDINBURGH; DEHYDRATED HEREDITARY STOMATOCYTOSIS AND PSEUDOHYPERKALEMIA; DEHYDRATED HEREDITARY STOMATOCYTOSIS WITH PSEUDOHYPERKALEMIA AND PERINATAL EDEMA; Dehydrated hereditary stomatocytosis 1 with or without pseudohyperkalemia and/or perinatal edema; Pseudohyperkalemia, familial, 1, due to red cell leak. Identifiers: Orphanet 3202, MedGen C4551512, MONDO:0008689, OMIM 194380.

Allele frequency attached by ClinVar (database versions not stated): TOPMed 0.00003.
gnomAD v4.1: 21 of 1,540,274 alleles (0.0014%); highest among the groups gnomAD compares: South Asian, 0.0085%; no homozygotes.

Submissions (3):

Labcorp Genetics (formerly Invitae), Labcorp
Classification: Benign. Last evaluated: 2025-11-16. Review status: criteria provided, single submitter. Criteria: Invitae Variant Classification Sherloc (09022015). Collection method: clinical testing. Allele origin: germline.

Revvity Omics, Revvity
Classification: Uncertain significance. Last evaluated: 2024-09-02. Review status: criteria provided, single submitter. Criteria: ACMG Guidelines, 2015. Collection method: clinical testing. Allele origin: germline.

Foundation for Research in Genetics and Endocrinology, FRIGE's Institute of Human Genetics
Classification: Uncertain significance for Dehydrated hereditary stomatocytosis with or without pseudohyperkalemia and/or perinatal edema. Last evaluated: 2023-03-15. Review status: criteria provided, single submitter. Criteria: ACMG Guidelines, 2015. Collection method: clinical testing. Allele origin: germline. Inheritance: Autosomal dominant inheritance. Affected: yes. Observed: 1 heterozygote.
Comment: A heterozygous missense variant in Exon 16 of the PIEZO1 gene that results in the amino acid substitution of Leucine for Proline at codon 722 was detected . This variant has not been reported in the 1000 genomes, gnomAD and gnomdAD databases and has a minor allele frequency of 0.003% and 0.006% in the topmed and our internal databases respectively. The in silico predictions of the variant are. The reference codon is conserved across species. In summary, the variant meets our criteria to be classified as a variant of uncertain significance.

NM_001142864.4(PIEZO1):c.2165C>T (p.Pro722Leu)

Genes: HSALR1 (HSP90AB1 associated lncRNA 1; plus strand), PIEZO1 (piezo type mechanosensitive ion channel component 1 (Er blood group); minus strand). Cytogenetic location: 16q24.3.
Variant type: single nucleotide variant.
Coding change: c.2165C>T on transcript NM_001142864.4 (MANE Select); coding-DNA position 2165, C replaced by T.
Protein change: p.Pro722Leu; replaces proline 722 with leucine.
Molecular consequence: missense variant.
Genome position (GRCh38, 1-based): chr16:88,734,371, G>A on the plus strand (C>T on the coding strand, the complement: PIEZO1 is on the minus strand). VCF-style: chr16-88734371-G-A. GRCh37 (hg19) VCF-style: chr16-88800779-G-A.
Other names: p.Pro722Leu; c.710C>T, p.Pro237Leu (NM_014745.1); short protein forms P237L, P722L.
Identifiers: ClinVar variation 2445985 (VCV002445985.5), dbSNP rs1223247493, ClinGen allele CA397113391.